The following is an entry in ClinVar:

NM_000156.6(GAMT):c.522G>C (p.Trp174Cys)

Gene: GAMT (guanidinoacetate N-methyltransferase; minus strand). Cytogenetic location: 19p13.3.
Variant type: single nucleotide variant.
Coding change: c.522G>C on transcript NM_000156.6 (MANE Select); coding-DNA position 522, G replaced by C.
Protein change: p.Trp174Cys; replaces tryptophan 174 with cysteine.
Molecular consequence: missense variant.
Genome position (GRCh38, 1-based): chr19:1,398,964, C>G on the plus strand (G>C on the coding strand, the complement: GAMT is on the minus strand). VCF-style: chr19-1398964-C-G. GRCh37 (hg19) VCF-style: chr19-1398963-C-G.
Other names: NM_138924.3:c.522G>C; c.522G>C (NM_000156.5); c.522G>C, p.Trp174Cys (NM_138924.3); short protein forms W174C.
Identifiers: ClinVar variation 2421360 (VCV002421360.7), dbSNP rs370421531, ClinGen allele CA402994365.

ClinVar aggregate classification (germline): Uncertain significance. Review status: reviewed by expert panel (3 of 4 stars). 3 submissions from 3 submitters: Uncertain significance (1). 2 of the submissions do not count toward it. Last evaluated 2026-04-20.

Conditions:
Inborn genetic diseases. Identifiers: MedGen C0950123, MeSH D030342.
Deficiency of guanidinoacetate methyltransferase (CCDS2). Also called: Guanidinoacetate Methyltransferase (GAMT) Deficiency; CEREBRAL CREATINE DEFICIENCY SYNDROME 2; GAMT DEFICIENCY. Identifiers: Orphanet 382, MedGen C0574080, MONDO:0012999, OMIM 612736.
Cerebral creatine deficiency syndrome. Also called: Creatine deficiency syndromes. Identifiers: Orphanet 79172, MedGen C5244016, MONDO:0000456.

gnomAD v4.1: 4 of 1,613,322 alleles (0.00025%); highest among the groups gnomAD compares: East Asian, 0.0022%; no homozygotes.

Submissions (3):

ClinGen Cerebral Creatine Deficiency Syndromes Variant Curation Expert Panel, ClinGen
Classification: Uncertain significance for Deficiency of guanidinoacetate methyltransferase. Last evaluated: 2026-04-20. Review status: reviewed by expert panel. Criteria: ClinGen CCDS ACMG Specifications GAMT V2.0.0. Collection method: curation. Allele origin: germline. Inheritance: Autosomal recessive inheritance.
Comment: The NM_000156.6:c.522G>C variant in GAMT is a missense variant predicted to cause substitution of a tryptophan by cysteine at amino acid 174 (p.Trp174Cys). To our knowledge, this variant has not been reported in the literature and results of functional studies are unavailable. The highest population minor allele frequency in gnomAD v4.1.0. is 0.00002227 (1/44900 alleles) in the East Asian population, which lower is than the ClinGen CCDS VCEP’s threshold for PM2_Supporting (<0.0004), meeting this criterion (PM2_Supporting). The computational predictor REVEL gives a score of 0.813 which is in the range of 0.773-0.932, evidence that correlates with impact to GAMT function at the moderate level (PMID: 36413997) (PP3_Moderate). Another missense variant at the same amino acid, c.520C>T (p.Trp174Arg) (ClinVar ID: 1420866), has been classified as likely pathogenic by the ClinGen CCDS VCEP (PM5_Supporting). In addition, c.521G>T (p.Trp174Leu) in reported in ClinVar as a VUS (ClinVar ID: 966083) but has not yet been classified by the ClinGen CCDS VCEP. There is a ClinVar entry for this variant (Variation ID: 2421360. In summary, this variant meets the criteria to be classified as a variant of uncertain significance for GAMT deficiency based on the GAMT-specific ACMG/AMP criteria applied, as specified by the ClinGen Cerebral Creatine Deficiency Syndromes Variant Curation Expert Panel (Specifications Version 2.0.0): PP3_Moderate, PM2_Supporting, PM5_Supporting. (Classification approved by the ClinGen Cerebral Creatine Deficiency Syndromes Variant Curation Expert Panel on April 20, 2026).

Ambry Genetics
Classification: Uncertain significance for Inborn genetic diseases. Last evaluated: 2024-09-25. Review status: criteria provided, single submitter. Criteria: Ambry Variant Classification Scheme 2023. Collection method: clinical testing. Allele origin: germline. Not counted in ClinVar's aggregate classification.

Labcorp Genetics (formerly Invitae), Labcorp
Classification: Uncertain significance for Cerebral creatine deficiency syndrome. Last evaluated: 2022-04-06. Review status: criteria provided, single submitter. Criteria: Invitae Variant Classification Sherloc (09022015). Collection method: clinical testing. Allele origin: germline. Not counted in ClinVar's aggregate classification.
Comment: This sequence change replaces tryptophan, which is neutral and slightly polar, with cysteine, which is neutral and slightly polar, at codon 174 of the GAMT protein (p.Trp174Cys). This variant is present in population databases (no rsID available, gnomAD 0.06%). This variant has not been reported in the literature in individuals affected with GAMT-related conditions. Algorithms developed to predict the effect of missense changes on protein structure and function are either unavailable or do not agree on the potential impact of this missense change (SIFT: "Deleterious"; PolyPhen-2: "Probably Damaging"; Align-GVGD: "Class C0"). In summary, the available evidence is currently insufficient to determine the role of this variant in disease. Therefore, it has been classified as a Variant of Uncertain Significance.